The following is an entry in ClinVar:

NM_182476.3(COQ6):c.1000A>G (p.Ser334Gly)

Genes: COQ6 (coenzyme Q6, monooxygenase; plus strand), ENTPD5 (ectonucleoside triphosphate diphosphohydrolase 5; minus strand). Cytogenetic location: 14q24.3.
Variant type: single nucleotide variant.
Coding change: c.1000A>G on transcript NM_182476.3 (MANE Select); coding-DNA position 1000, A replaced by G.
Protein change: p.Ser334Gly; replaces serine 334 with glycine.
Molecular consequence: missense variant. On other transcripts: 3 prime UTR variant (1), intron variant (5).
Genome position (GRCh38, 1-based): chr14:73,961,281, A>G. VCF-style: chr14-73961281-A-G. GRCh37 (hg19) VCF-style: chr14-74427984-A-G.
Other names: c.1000A>G, p.Ser334Gly (NM_001425255.1); c.892A>G, p.Ser298Gly (NM_001425256.1); c.835A>G, p.Ser279Gly (NM_001425257.1); c.817A>G, p.Ser273Gly (NM_001425258.1); c.775A>G, p.Ser259Gly (NM_001425259.1, NM_001425260.1, NM_001425261.1); c.745A>G, p.Ser249Gly (NM_001425262.1); c.673A>G, p.Ser225Gly (NM_001425263.1); c.460A>G, p.Ser154Gly (NM_001425264.1, NM_001425265.1); and 5 more; short protein forms S309G, S334G.
Identifiers: ClinVar variation 2185643 (VCV002185643.3), dbSNP rs768822735, ClinGen allele CA7264410.
Genomic context (GRCh38, chr14:73,961,281, plus strand): 5'-CTGCAGTATGCTGTCAGCCTTCTGAAGCCCACTAAGGTCTCGGCTCGCCAGCTGCCCCCA[A>G]GCGTAGCCAGGGTGGATGCCAAAAGCCGAGTTCTGTTTCCTCTTGGGTTGGGACATGCTG-3'
Protein context (NP_872282.1, residues 324-344): TKVSARQLPP[Ser334Gly]VARVDAKSRV

ClinVar aggregate classification (germline): Uncertain significance (1 of 4 stars; one submission).

Allele frequency attached by ClinVar (database versions not stated): ExAC 0.00001.
gnomAD v4.1: 21 of 1,614,050 alleles (0.0013%); highest among the groups gnomAD compares: Admixed American, 0.0017%; no homozygotes.

Submission:

Labcorp Genetics (formerly Invitae), Labcorp
Classification: Uncertain significance. Last evaluated: 2023-12-11. Review status: criteria provided, single submitter. Criteria: Invitae Variant Classification Sherloc (09022015). Collection method: clinical testing. Allele origin: germline.
Comment: This sequence change replaces serine, which is neutral and polar, with glycine, which is neutral and non-polar, at codon 334 of the COQ6 protein (p.Ser334Gly). This variant is present in population databases (rs768822735, gnomAD 0.003%). This variant has not been reported in the literature in individuals affected with COQ6-related conditions. ClinVar contains an entry for this variant (Variation ID: 2185643). An algorithm developed to predict the effect of missense changes on protein structure and function (PolyPhen-2) suggests that this variant is likely to be disruptive. In summary, the available evidence is currently insufficient to determine the role of this variant in disease. Therefore, it has been classified as a Variant of Uncertain Significance.